The following is an entry in ClinVar:

ClinVar aggregate classification (germline): Conflicting classifications of pathogenicity. Review status: criteria provided, conflicting classifications (1 of 4 stars). 5 submissions from 5 submitters: Uncertain significance (1); Likely benign (4). Last evaluated 2023-02-08.

Conditions:
Noonan syndrome and Noonan-related syndrome. Identifiers: Orphanet 98733, MedGen C5681679, MONDO:0020297.
Cardiovascular phenotype. Identifiers: MedGen CN230736.
RASopathy. Also called: rasopathies; Noonan spectrum disorder. Identifiers: Orphanet 536391, MedGen C5555857, MONDO:0021060.

Allele frequency attached by ClinVar (database versions not stated): ExAC 0.00001; gnomAD 0.00001; gnomAD exomes 0.00001.
gnomAD v4.1: 7 of 1,614,090 alleles (0.00043%); highest among the groups gnomAD compares: African/African-American, 0.0013%; no homozygotes.

Submissions (5):

Ambry Genetics
Classification: Likely benign for Cardiovascular phenotype. Last evaluated: 2023-02-08. Review status: criteria provided, single submitter. Criteria: Ambry Variant Classification Scheme 2023. Collection method: clinical testing. Allele origin: germline.

Labcorp Genetics (formerly Invitae), Labcorp
Classification: Likely benign for RASopathy. Last evaluated: 2022-10-20. Review status: criteria provided, single submitter. Criteria: Invitae Variant Classification Sherloc (09022015). Collection method: clinical testing. Allele origin: germline.

Blueprint Genetics
Classification: Likely benign. Last evaluated: 2022-08-23. Review status: criteria provided, single submitter. Criteria: ACMG Guidelines, 2015. Collection method: clinical testing. Allele origin: germline.

GeneDx
Classification: Likely benign. Last evaluated: 2018-09-11. Review status: criteria provided, single submitter. Criteria: GeneDx Variant Classification Process June 2021. Collection method: clinical testing. Allele origin: germline. Affected: yes.
Comment: This variant is associated with the following publications: (PMID: 26661077)

Genome Diagnostics Laboratory, The Hospital for Sick Children
Classification: Uncertain significance for Noonan syndrome and Noonan-related syndrome. Last evaluated: 2017-01-24. Review status: criteria provided, single submitter. Criteria: ACMG Guidelines, 2015. Collection method: clinical testing. Allele origin: germline.

NM_002524.5(NRAS):c.69A>G (p.Leu23=)

Gene: NRAS (NRAS proto-oncogene, GTPase; minus strand). Cytogenetic location: 1p13.2.
Variant type: single nucleotide variant.
Coding change: c.69A>G on transcript NM_002524.5 (MANE Select); coding-DNA position 69, A replaced by G.
Protein change: p.Leu23=; no amino-acid change (leucine 23 retained).
Molecular consequence: synonymous variant.
Genome position (GRCh38, 1-based): chr1:114,716,092, T>C on the plus strand (A>G on the coding strand, the complement: NRAS is on the minus strand). VCF-style: chr1-114716092-T-C. GRCh37 (hg19) VCF-style: chr1-115258713-T-C.
Identifiers: ClinVar variation 1107573 (VCV001107573.16), dbSNP rs771113899, ClinGen allele CA1020784.